The following is an entry in ClinVar:

ClinVar aggregate classification (germline): Uncertain significance. Review status: criteria provided, multiple submitters, no conflicts (2 of 4 stars). 3 submissions from 3 submitters: Uncertain significance (3). Last evaluated 2024-06-19.

Conditions:
Hereditary cancer-predisposing syndrome. Also called: Tumor predisposition; Hereditary Cancer Syndrome; Neoplastic Syndromes, Hereditary; Hereditary neoplastic syndrome. Identifiers: Orphanet 140162, MedGen C0027672, MeSH D009386, MONDO:0015356.
Familial cancer of breast. Also called: BREAST CANCER, FAMILIAL; Hereditary breast cancer; hereditary breast carcinoma. Identifiers: Orphanet 227535, MedGen C0346153, MONDO:0016419, OMIM 114480. Disease mechanism: loss of function.

Submissions (3):

Labcorp Genetics (formerly Invitae), Labcorp
Classification: Uncertain significance for Familial cancer of breast. Last evaluated: 2024-06-19. Review status: criteria provided, single submitter. Criteria: Invitae Variant Classification Sherloc (09022015). Collection method: clinical testing. Allele origin: germline.
Comment: This sequence change replaces glycine, which is neutral and non-polar, with cysteine, which is neutral and slightly polar, at codon 509 of the PALB2 protein (p.Gly509Cys). This variant is not present in population databases (gnomAD no frequency). This variant has not been reported in the literature in individuals affected with PALB2-related conditions. ClinVar contains an entry for this variant (Variation ID: 619883). Advanced modeling of protein sequence and biophysical properties (such as structural, functional, and spatial information, amino acid conservation, physicochemical variation, residue mobility, and thermodynamic stability) has been performed at Invitae for this missense variant, however the output from this modeling did not meet the statistical confidence thresholds required to predict the impact of this variant on PALB2 protein function. In summary, the available evidence is currently insufficient to determine the role of this variant in disease. Therefore, it has been classified as a Variant of Uncertain Significance.

Ambry Genetics
Classification: Uncertain significance for Hereditary cancer-predisposing syndrome. Last evaluated: 2023-08-05. Review status: criteria provided, single submitter. Criteria: Ambry Variant Classification Scheme 2023. Collection method: clinical testing. Allele origin: germline.
Comment: The p.G509C variant (also known as c.1525G>T), located in coding exon 4 of the PALB2 gene, results from a G to T substitution at nucleotide position 1525. The glycine at codon 509 is replaced by cysteine, an amino acid with highly dissimilar properties. This amino acid position is conserved. In addition, this alteration is predicted to be tolerated by in silico analysis. Since supporting evidence is limited at this time, the clinical significance of this alteration remains unclear.

Quest Diagnostics Nichols Institute San Juan Capistrano
Classification: Uncertain significance. Last evaluated: 2017-11-02. Review status: criteria provided, single submitter. Criteria: Quest Diagnostics criteria. Collection method: clinical testing. Allele origin: germline.

NM_024675.4(PALB2):c.1525G>T (p.Gly509Cys)

Gene: PALB2 (partner and localizer of BRCA2; minus strand). Cytogenetic location: 16p12.2.
Variant type: single nucleotide variant.
Coding change: c.1525G>T on transcript NM_024675.4 (MANE Select); coding-DNA position 1525, G replaced by T.
Protein change: p.Gly509Cys; replaces glycine 509 with cysteine.
Molecular consequence: missense variant.
Genome position (GRCh38, 1-based): chr16:23,635,021, C>A on the plus strand (G>T on the coding strand, the complement: PALB2 is on the minus strand). VCF-style: chr16-23635021-C-A. GRCh37 (hg19) VCF-style: chr16-23646342-C-A.
Other names: short protein forms G509C.
Identifiers: ClinVar variation 619883 (VCV000619883.6), dbSNP rs1567220815, ClinGen allele CA395130956.